The following is an entry in ClinVar:

NM_001308093.3(GATA4):c.677C>T (p.Thr226Ile)

Gene: GATA4 (GATA binding protein 4). Cytogenetic location: 8p23.1.
Variant type: single nucleotide variant.
Coding change: c.677C>T on transcript NM_001308093.3 (MANE Select); coding-DNA position 677, C replaced by T.
Protein change: p.Thr226Ile; replaces threonine 226 with isoleucine.
Molecular consequence: missense variant.
Genome position (GRCh38, 1-based): chr8:11,748,976, C>T. VCF-style: chr8-11748976-C-T. GRCh37 (hg19) VCF-style: chr8-11606485-C-T.
Other names: c.56C>T, p.Thr19Ile (NM_001308094.2, NM_001374273.1, NM_001374274.1); c.674C>T, p.Thr225Ile (NM_002052.5); short protein forms T19I, T225I, T226I.
Identifiers: ClinVar variation 3769594 (VCV003769594.1).
Genomic context (GRCh38, chr8:11,748,976, plus strand): 5'-TAGATATGTTTGACGACTTCTCAGAAGGCAGAGAGTGTGTCAACTGTGGGGCTATGTCCA[C>T]CCCGCTCTGGAGGCGAGATGGGACGGGTCACTATCTGTGCAACGCCTGCGGCCTCTACCA-3'
Protein context (NP_001295022.1, residues 216-236): RECVNCGAMS[Thr226Ile]PLWRRDGTGH

ClinVar aggregate classification (germline): Likely pathogenic (1 of 4 stars; one submission).

Conditions:
Abnormal heart morphology. Also called: Abnormality of cardiac morphology; Heart, malformation of. Identifiers: MedGen C0018798, MeSH D006330, HP:0001627.

gnomAD v4.1: 1 of 1,614,190 alleles (0.000062%); highest among the groups gnomAD compares: Non-Finnish European, 0.000085%; no homozygotes.

Submission:

Clinical Genetics Laboratory, Skane University Hospital Lund
Classification: Likely pathogenic for Abnormal heart morphology. Last evaluated: 2024-09-26. Review status: criteria provided, single submitter. Criteria: ACMG Guidelines, 2015. Collection method: clinical testing. Allele origin: de novo. Inheritance: Autosomal dominant inheritance. Affected: yes.
Comment: ACMG criteria used: PS2, PM2, PM5, PP3